The following is an entry in ClinVar:

NM_001113378.2(FANCI):c.1741G>A (p.Glu581Lys)

Gene: FANCI (FA complementation group I; plus strand). Cytogenetic location: 15q26.1.
Variant type: single nucleotide variant.
Coding change: c.1741G>A on transcript NM_001113378.2 (MANE Select); coding-DNA position 1741, G replaced by A.
Protein change: p.Glu581Lys; replaces glutamic acid 581 with lysine.
Molecular consequence: missense variant.
Genome position (GRCh38, 1-based): chr15:89,285,138, G>A. VCF-style: chr15-89285138-G-A. GRCh37 (hg19) VCF-style: chr15-89828369-G-A.
Other names: c.1462G>A, p.Glu488Lys (NM_001376910.1); c.1741G>A, p.Glu581Lys (NM_001376911.1, NM_018193.3); short protein forms E581K, E488K.
Identifiers: ClinVar variation 238310 (VCV000238310.8), dbSNP rs768875486, ClinGen allele CA7723138.

ClinVar aggregate classification (germline): Uncertain significance (1 of 4 stars; one submission).

Conditions:
Fanconi anemia (FA). Also called: Fanconi's anemia. Identifiers: Orphanet 84, MedGen C0015625, MeSH D005199, MONDO:0019391.

Allele frequency attached by ClinVar (database versions not stated): gnomAD exomes below 0.00001 and 0.00005; gnomAD 0.00002; TOPMed 0.00003; ExAC 0.00005.
gnomAD v4.1: 12 of 1,614,070 alleles (0.00074%); highest among the groups gnomAD compares: East Asian, 0.018%; no homozygotes.

Submission:

Labcorp Genetics (formerly Invitae), Labcorp
Classification: Uncertain significance for Fanconi anemia. Last evaluated: 2026-01-16. Review status: criteria provided, single submitter. Criteria: Invitae Variant Classification Sherloc (09022015). Collection method: clinical testing. Allele origin: germline.
Comment: This sequence change replaces glutamic acid, which is acidic and polar, with lysine, which is basic and polar, at codon 581 of the FANCI protein (p.Glu581Lys). This variant is present in population databases (rs768875486, gnomAD 0.06%). This variant has not been reported in the literature in individuals affected with FANCI-related conditions. ClinVar contains an entry for this variant (Variation ID: 238310). Invitae Evidence Modeling of protein sequence and biophysical properties (such as structural, functional, and spatial information, amino acid conservation, physicochemical variation, residue mobility, and thermodynamic stability) indicates that this missense variant is expected to disrupt FANCI protein function with a positive predictive value of 80%. In summary, the available evidence is currently insufficient to determine the role of this variant in disease. Therefore, it has been classified as a Variant of Uncertain Significance.